The following is an entry in ClinVar:

ClinVar aggregate classification (germline): Uncertain significance (1 of 4 stars; one submission).

Conditions:
Legius syndrome. Identifiers: Orphanet 137605, MedGen C1969623, MONDO:0012669, OMIM 611431. Disease mechanism: loss of function.

gnomAD v4.1: 1 of 1,614,172 alleles (0.000062%); no homozygotes.

Submission:

Labcorp Genetics (formerly Invitae), Labcorp
Classification: Uncertain significance for Legius syndrome. Last evaluated: 2024-10-09. Review status: criteria provided, single submitter. Criteria: Invitae Variant Classification Sherloc (09022015). Collection method: clinical testing. Allele origin: germline.
Comment: This sequence change replaces asparagine, which is neutral and polar, with aspartic acid, which is acidic and polar, at codon 343 of the SPRED1 protein (p.Asn343Asp). This variant is not present in population databases (gnomAD no frequency). This variant has not been reported in the literature in individuals affected with SPRED1-related conditions. ClinVar contains an entry for this variant (Variation ID: 2168849). Invitae Evidence Modeling of protein sequence and biophysical properties (such as structural, functional, and spatial information, amino acid conservation, physicochemical variation, residue mobility, and thermodynamic stability) indicates that this missense variant is not expected to disrupt SPRED1 protein function with a negative predictive value of 80%. Algorithms developed to predict the effect of sequence changes on RNA splicing suggest that this variant may create or strengthen a splice site. In summary, the available evidence is currently insufficient to determine the role of this variant in disease. Therefore, it has been classified as a Variant of Uncertain Significance.

NM_152594.3(SPRED1):c.1027A>G (p.Asn343Asp)

Gene: SPRED1 (sprouty related EVH1 domain containing 1; plus strand). Cytogenetic location: 15q14.
Variant type: single nucleotide variant.
Coding change: c.1027A>G on transcript NM_152594.3 (MANE Select); coding-DNA position 1027, A replaced by G.
Protein change: p.Asn343Asp; replaces asparagine 343 with aspartic acid.
Molecular consequence: missense variant.
Genome position (GRCh38, 1-based): chr15:38,351,356, A>G. VCF-style: chr15-38351356-A-G. GRCh37 (hg19) VCF-style: chr15-38643557-A-G.
Other names: short protein forms N343D.
Identifiers: ClinVar variation 2168849 (VCV002168849.4), dbSNP rs2542743557, ClinGen allele CA391933833.